The following is an entry in ClinVar:

ClinVar aggregate classification (germline): Likely benign. Review status: criteria provided, multiple submitters, no conflicts (2 of 4 stars). 3 submissions from 3 submitters: Likely benign (2). 1 of the submissions does not count toward it. Last evaluated 2025-12-05.

Conditions:
GRIN2D-related disorder. Also called: GRIN2D-related condition.

Allele frequency attached by ClinVar (database versions not stated): gnomAD exomes below 0.00001 and 0.00001; ExAC 0.00001; gnomAD 0.00001; TOPMed 0.00001; ESP Exome Variant Server 0.00008.
gnomAD v4.1: 10 of 1,613,436 alleles (0.00062%); highest among the groups gnomAD compares: Admixed American, 0.0033%; no homozygotes.

Submissions (3):

Labcorp Genetics (formerly Invitae), Labcorp
Classification: Likely benign. Last evaluated: 2025-12-05. Review status: criteria provided, single submitter. Criteria: Invitae Variant Classification Sherloc (09022015). Collection method: clinical testing. Allele origin: germline.

Blueprint Genetics
Classification: Likely benign. Last evaluated: 2024-11-04. Review status: criteria provided, single submitter. Criteria: ACMG Guidelines, 2015. Collection method: clinical testing. Allele origin: germline.

PreventionGenetics, part of Exact Sciences
Classification: Likely benign for GRIN2D-related condition. Last evaluated: 2019-05-28. Review status: no assertion criteria provided. Collection method: clinical testing. Allele origin: germline. Not counted in ClinVar's aggregate classification.
Comment: This variant is classified as likely benign based on ACMG/AMP sequence variant interpretation guidelines (Richards et al. 2015 PMID: 25741868, with internal and published modifications).

NM_000836.4(GRIN2D):c.1905G>T (p.Leu635=)

Genes: GRIN2D (glutamate ionotropic receptor NMDA type subunit 2D; plus strand), LOC130064857 (ATAC-STARR-seq lymphoblastoid active region 14894; plus strand). Cytogenetic location: 19q13.33.
Variant type: single nucleotide variant.
Coding change: c.1905G>T on transcript NM_000836.4 (MANE Select); coding-DNA position 1905, G replaced by T.
Protein change: p.Leu635=; no amino-acid change (leucine 635 retained).
Molecular consequence: synonymous variant.
Genome position (GRCh38, 1-based): chr19:48,419,628, G>T. VCF-style: chr19-48419628-G-T. GRCh37 (hg19) VCF-style: chr19-48922885-G-T.
Other names: c.1905G>T (NM_000836.2).
Identifiers: ClinVar variation 1636880 (VCV001636880.11), dbSNP rs369769435, ClinGen allele CA9550624.